The following is an entry in ClinVar:

ClinVar aggregate classification (germline): Uncertain significance (1 of 4 stars; one submission).

Submission:

GeneDx
Classification: Uncertain significance. Last evaluated: 2025-01-14. Review status: criteria provided, single submitter. Criteria: GeneDx Variant Classification Process June 2021. Collection method: clinical testing. Allele origin: germline.
Comment: Not observed at significant frequency in large population cohorts (gnomAD); In silico analysis supports that this missense variant has a deleterious effect on protein structure/function; Has not been previously published as pathogenic or benign to our knowledge

NM_170606.3(KMT2C):c.11396G>T (p.Cys3799Phe)

Gene: KMT2C (lysine methyltransferase 2C; minus strand). Cytogenetic location: 7q36.1.
Variant type: single nucleotide variant.
Coding change: c.11396G>T on transcript NM_170606.3 (MANE Select); coding-DNA position 11396, G replaced by T.
Protein change: p.Cys3799Phe; replaces cysteine 3799 with phenylalanine.
Molecular consequence: missense variant.
Genome position (GRCh38, 1-based): chr7:152,162,181, C>A on the plus strand (G>T on the coding strand, the complement: KMT2C is on the minus strand). VCF-style: chr7-152162181-C-A. GRCh37 (hg19) VCF-style: chr7-151859266-C-A.
Other names: short protein forms C3799F.
Identifiers: ClinVar variation 3363983 (VCV003363983.2).
Genomic context (GRCh38, chr7:152,162,181, plus strand): 5'-CCTTCAGCTGGGTTCTGCTTCTCAACTAGTTTATTATCCTTTGTACAGTCATCTTCTGAA[C>A]AAATACTGCCCTCAGGTTTTTGATTCAAAAGAGAAGATGACTTTTTATTTTTCAACAAGT-3'
Protein context (NP_733751.2, residues 3789-3809): LLNQKPEGSI[Cys3799Phe]SEDDCTKDNK